The following is an entry in ClinVar:

ClinVar aggregate classification (germline): Benign. Review status: criteria provided, multiple submitters, no conflicts (2 of 4 stars). 2 submissions from 2 submitters: Benign (2). Last evaluated 2018-06-19.

Allele frequency attached by ClinVar (database versions not stated): 1000 Genomes Project 0.30272; 1000 Genomes Project 30x 0.30824; TOPMed 0.40143; gnomAD 0.41500 and 0.42591; gnomAD exomes 0.42132.
gnomAD v4.1: 236,199 of 562,512 alleles (42%); highest among the groups gnomAD compares: Non-Finnish European, 48%; 53,102 homozygotes.

Submissions (6):

GeneDx
Classification: Benign. Last evaluated: 2018-06-19. Review status: criteria provided, single submitter. Criteria: GeneDx Variant Classification (06012015). Collection method: clinical testing. Allele origin: germline. Affected: yes.
Comment: This variant is considered likely benign or benign based on one or more of the following criteria: it is a conservative change, it occurs at a poorly conserved position in the protein, it is predicted to be benign by multiple in silico algorithms, and/or has population frequency not consistent with disease.

Breakthrough Genomics
Classification: Benign. Review status: criteria provided, single submitter. Criteria: ACMG Guidelines, 2015. Collection method: not provided. Allele origin: germline. Inheritance: Autosomal recessive inheritance. Affected: yes.

Dr. Peter K. Rogan Lab, Western University
No classification provided (evidence only). Condition: Gastric cancer. Review status: no classification provided. Collection method: in vitro. Allele origin: not applicable. Functional consequence: retained intron. Not counted in ClinVar's aggregate classification.

Dr. Peter K. Rogan Lab, Western University
No classification provided (evidence only). Condition: Uterine carcinosarcoma. Review status: no classification provided. Collection method: in vitro. Allele origin: not applicable. Functional consequence: skipped exon. Not counted in ClinVar's aggregate classification.

Dr. Peter K. Rogan Lab, Western University
No classification provided (evidence only). Condition: Uterine carcinosarcoma. Review status: no classification provided. Collection method: in vitro. Allele origin: not applicable. Functional consequence: skipped exon, retained intron. Not counted in ClinVar's aggregate classification.

Dr. Peter K. Rogan Lab, Western University
No classification provided (evidence only). Condition: Uterine carcinosarcoma. Review status: no classification provided. Collection method: in vitro. Allele origin: not applicable. Functional consequence: skipped exon, retained intron. Not counted in ClinVar's aggregate classification.

NM_001985.3(ETFB):c.597+227C>G

Gene: ETFB (electron transfer flavoprotein subunit beta; minus strand). Cytogenetic location: 19q13.41.
Variant type: single nucleotide variant.
Coding change: c.597+227C>G on transcript NM_001985.3 (MANE Select); 227 bases into the intron after coding-DNA position 597, C replaced by G.
Molecular consequence: intron variant.
Genome position (GRCh38, 1-based): chr19:51,346,673, G>C on the plus strand (C>G on the coding strand, the complement: ETFB is on the minus strand). VCF-style: chr19-51346673-G-C. GRCh37 (hg19) VCF-style: chr19-51849927-G-C.
Other names: NC_000019.9:g.51849927G>C; c.870+227C>G (NM_001014763.1).
Identifiers: ClinVar variation 680111 (VCV000680111.3), dbSNP rs12981254, ClinGen allele CA14646826.